The following is an entry in ClinVar:

NM_003283.6(TNNT1):c.387+5G>A

Gene: TNNT1 (troponin T1, slow skeletal type; minus strand). Cytogenetic location: 19q13.42.
Variant type: single nucleotide variant.
Coding change: c.387+5G>A on transcript NM_003283.6 (MANE Select); 5 bases into the intron after coding-DNA position 387, G replaced by A.
Molecular consequence: intron variant.
Genome position (GRCh38, 1-based): chr19:55,140,878, C>T on the plus strand (G>A on the coding strand, the complement: TNNT1 is on the minus strand). VCF-style: chr19-55140878-C-T. GRCh37 (hg19) VCF-style: chr19-55652246-C-T.
Other names: c.354+5G>A (NM_001126133.3, NM_001291774.2); c.387+5G>A (NM_001126132.3).
Identifiers: ClinVar variation 857846 (VCV000857846.2), dbSNP rs2085438435, ClinGen allele CA916083734.
Genomic context (GRCh38, chr19:55,140,878, plus strand): 5'-ATAACAAAATGGGCATCCGGCTGAAGAAGTAACATTTGGGCTCTCAGGGCAGGGGAGGCA[C>T]CCACCGCCAGCTTAGCCTGACGTTCGCGTTCCTTCTCAGTTCTGAAGCGCTGTTGCTCGG-3'

ClinVar aggregate classification (germline): Uncertain significance. Review status: criteria provided, multiple submitters, no conflicts (2 of 4 stars). 2 submissions from 2 submitters: Uncertain significance (2). Last evaluated 2024-12-31.

Conditions:
Nemaline myopathy 5 (NEM5A). Also called: NEMALINE MYOPATHY 5A, AUTOSOMAL RECESSIVE, SEVERE INFANTILE; Nemaline myopathy 5, Amish type; NEMALINE MYOPATHY, AMISH TYPE. Identifiers: Orphanet 98902, MedGen C1854380, MONDO:0011539, OMIM 605355.
TNNT1-related disorder. Also called: TNNT1-related condition.

Submissions (2):

3billion
Classification: Uncertain significance for TNNT1-related disorder. Last evaluated: 2024-12-31. Review status: criteria provided, single submitter. Criteria: ACMG Guidelines, 2015. Collection method: clinical testing. Allele origin: germline. Affected: yes.
Comment: The variant is not observed in the gnomAD v4.1.0 dataset. Predicted Consequence/Location: Intron variant In silico tools predict the variant to alter splicing and produce an abnormal transcript [SpliceAI: 0.98 (>=0.2, moderate evidence for spliceogenicity)]. The variant has been reported as of uncertain significance (ClinVar ID: VCV000857846; PMID: 32222963). Therefore, this variant is classified as VUS according to the recommendation of ACMG/AMP guideline.

Labcorp Genetics (formerly Invitae), Labcorp
Classification: Uncertain significance for Nemaline myopathy 5. Last evaluated: 2019-07-23. Review status: criteria provided, single submitter. Criteria: Invitae Variant Classification Sherloc (09022015). Collection method: clinical testing. Allele origin: germline.
Comment: This sequence change falls in intron 9 of the TNNT1 gene. It does not directly change the encoded amino acid sequence of the TNNT1 protein, but it affects a nucleotide within the consensus splice site of the intron. This variant is not present in population databases (ExAC no frequency). This variant has not been reported in the literature in individuals with TNNT1-related conditions. Nucleotide substitutions within the consensus splice site are a relatively common cause of aberrant splicing (PMID: 17576681, 9536098). Algorithms developed to predict the effect of sequence changes on RNA splicing suggest that this variant may disrupt the consensus splice site, but this prediction has not been confirmed by published transcriptional studies. In summary, the available evidence is currently insufficient to determine the role of this variant in disease. Therefore, it has been classified as a Variant of Uncertain Significance.